The following is an entry in ClinVar:

NM_005560.6(LAMA5):c.1958G>A (p.Arg653His)

Gene: LAMA5 (laminin subunit alpha 5; minus strand). Cytogenetic location: 20q13.33.
Variant type: single nucleotide variant.
Coding change: c.1958G>A on transcript NM_005560.6 (MANE Select); coding-DNA position 1958, G replaced by A.
Protein change: p.Arg653His; replaces arginine 653 with histidine.
Molecular consequence: missense variant.
Genome position (GRCh38, 1-based): chr20:62,337,872, C>T on the plus strand (G>A on the coding strand, the complement: LAMA5 is on the minus strand). VCF-style: chr20-62337872-C-T. GRCh37 (hg19) VCF-style: chr20-60912928-C-T.
Other names: p.Arg653His; short protein forms R653H.
Identifiers: ClinVar variation 2171085 (VCV002171085.5), dbSNP rs139977032, ClinGen allele CA9943698.

ClinVar aggregate classification (germline): Uncertain significance. Review status: criteria provided, multiple submitters, no conflicts (2 of 4 stars). 2 submissions from 2 submitters: Uncertain significance (2). Last evaluated 2023-02-17.

Allele frequency attached by ClinVar (database versions not stated): gnomAD exomes 0.00003; ExAC 0.00006; ESP Exome Variant Server 0.00015; 1000 Genomes Project 30x 0.00016; gnomAD 0.00017; TOPMed 0.00019; 1000 Genomes Project 0.00020.
gnomAD v4.1: 61 of 1,612,472 alleles (0.0038%); highest among the groups gnomAD compares: African/African-American, 0.059%; no homozygotes.

Submissions (2):

Mayo Clinic Laboratories, Mayo Clinic
Classification: Uncertain significance. Last evaluated: 2023-02-17. Review status: criteria provided, single submitter. Criteria: ACMG Guidelines, 2015. Collection method: clinical testing. Allele origin: germline. Observed: 1 variant allele.
Comment: BP4

Labcorp Genetics (formerly Invitae), Labcorp
Classification: Uncertain significance. Last evaluated: 2022-08-22. Review status: criteria provided, single submitter. Criteria: Invitae Variant Classification Sherloc (09022015). Collection method: clinical testing. Allele origin: germline.
Comment: This variant has not been reported in the literature in individuals affected with LAMA5-related conditions. This variant is present in population databases (rs139977032, gnomAD 0.05%). This sequence change replaces arginine, which is basic and polar, with histidine, which is basic and polar, at codon 653 of the LAMA5 protein (p.Arg653His). Algorithms developed to predict the effect of missense changes on protein structure and function output the following: SIFT: "Tolerated"; PolyPhen-2: "Benign"; Align-GVGD: "Class C0". The histidine amino acid residue is found in multiple mammalian species, which suggests that this missense change does not adversely affect protein function. In summary, the available evidence is currently insufficient to determine the role of this variant in disease. Therefore, it has been classified as a Variant of Uncertain Significance.